The following is an entry in ClinVar:

NM_000170.3(GLDC):c.91del (p.Ala31fs)

Gene: GLDC (glycine decarboxylase; minus strand). Cytogenetic location: 9p24.1.
Variant type: Deletion.
Coding change: c.91del on transcript NM_000170.3 (MANE Select); coding-DNA position 91, one base deleted (G; older notation c.91delG).
Protein change: p.Ala31fs; shifts the reading frame from alanine 31.
Molecular consequence: frameshift variant.
Genome position (GRCh38, 1-based): chr9:6,645,409, C deleted on the plus strand (G on the coding strand, the reverse complement: GLDC is on the minus strand); the first of 3 consecutive C bases (chr9:6,645,409-6,645,411); deleting any one gives the same sequence. VCF-style (leftmost placement, unchanged base first): chr9-6645408-GC-G. GRCh37 (hg19) VCF-style: chr9-6645408-GC-G.
Other names: short protein forms A31fs.
Identifiers: ClinVar variation 2761423 (VCV002761423.3), dbSNP rs2489162833, ClinGen allele CA2697550314.

ClinVar aggregate classification (germline): Pathogenic (1 of 4 stars; one submission).

Conditions:
Glycine encephalopathy. Also called: Nonketotic hyperglycinemia; Non-ketotic hyperglycinemia. Identifiers: Orphanet 407, MedGen C0751748, MONDO:0011612, HP:0008288.

Submission:

Labcorp Genetics (formerly Invitae), Labcorp
Classification: Pathogenic for Glycine encephalopathy. Last evaluated: 2023-09-18. Review status: criteria provided, single submitter. Criteria: Invitae Variant Classification Sherloc (09022015). Collection method: clinical testing. Allele origin: germline.
Comment: This sequence change creates a premature translational stop signal (p.Ala31Argfs*60) in the GLDC gene. It is expected to result in an absent or disrupted protein product. Loss-of-function variants in GLDC are known to be pathogenic (PMID: 16601880). This variant is not present in population databases (gnomAD no frequency). This variant has not been reported in the literature in individuals affected with GLDC-related conditions. For these reasons, this variant has been classified as Pathogenic.

Literature cited by the submitters: PubMed 16601880.